The following is an entry in ClinVar:

NM_003072.5(SMARCA4):c.3774+2T>C

Gene: SMARCA4 (SWI/SNF related BAF chromatin remodeling complex subunit ATPase 4; plus strand). Cytogenetic location: 19p13.2.
Variant type: single nucleotide variant.
Coding change: c.3774+2T>C on transcript NM_003072.5 (MANE Select); the canonical splice donor site of the intron after coding-DNA position 3774, T replaced by C.
Molecular consequence: splice donor variant.
Genome position (GRCh38, 1-based): chr19:11,033,519, T>C. VCF-style: chr19-11033519-T-C. GRCh37 (hg19) VCF-style: chr19-11144195-T-C.
Other names: c.3774+2T>C (NM_001128844.3, NM_001128849.3, NM_001128847.4 and 6 more transcripts).
Identifiers: ClinVar variation 573567 (VCV000573567.7), dbSNP rs1475054297, ClinGen allele CA404066280.

ClinVar aggregate classification (germline): Likely pathogenic (1 of 4 stars; one submission).

Conditions:
Rhabdoid tumor predisposition syndrome 2 (RTPS2). Identifiers: Orphanet 231108, Orphanet 69077, MedGen C2750074, MONDO:0013224, OMIM 613325.

Submission:

Labcorp Genetics (formerly Invitae), Labcorp
Classification: Likely pathogenic for Rhabdoid tumor predisposition syndrome 2. Last evaluated: 2018-05-16. Review status: criteria provided, single submitter. Criteria: Invitae Variant Classification Sherloc (09022015). Collection method: clinical testing. Allele origin: germline.
Comment: In summary, the currently available evidence indicates that the variant is pathogenic, but additional data are needed to prove that conclusively. Therefore, this variant has been classified as Likely Pathogenic. Donor and acceptor splice site variants typically lead to a loss of protein function (PMID: 16199547), and loss-of-function variants in SMARCA4 are known to be pathogenic (PMID: 24658001, 24658002). This variant has not been reported in the literature in individuals with SMARCA4-related disease. This variant is not present in population databases (ExAC no frequency). This sequence change affects a donor splice site in intron 26 of the SMARCA4 gene. It is expected to disrupt RNA splicing and likely results in an absent or disrupted protein product.

Literature cited by the submitters: PubMed 16199547; PubMed 24658001; PubMed 24658002.